The following is an entry in ClinVar:

ClinVar aggregate classification (germline): Uncertain significance (1 of 4 stars; one submission).

Conditions:
Autosomal recessive limb-girdle muscular dystrophy type 2P. Also called: MUSCULAR DYSTROPHY, LIMB-GIRDLE, TYPE 2P; MUSCULAR DYSTROPHY-DYSTROGLYCANOPATHY, LIMB-GIRDLE, DAG1-RELATED; Limb-Girdle Muscular Dystrophy Type 9C. Identifiers: Orphanet 280333, MedGen C4511963, MONDO:0013440, OMIM 613818.
Muscular dystrophy-dystroglycanopathy (congenital with brain and eye anomalies), type A9. Also called: WALKER-WARBURG SYNDROME OR MUSCLE-EYE BRAIN DISEASE, DAG1-RELATED; Muscular dystrophy-dystroglycanopathy (congenital with brain and eye anomalies), type a, 9. Identifiers: Orphanet 370997, Orphanet 899, MedGen C4225291, MONDO:0014683, OMIM 616538.

Submission:

Labcorp Genetics (formerly Invitae), Labcorp
Classification: Uncertain significance for Autosomal recessive limb-girdle muscular dystrophy type 2P; Muscular dystrophy-dystroglycanopathy (congenital with brain and eye anomalies), type A9. Last evaluated: 2022-07-13. Review status: criteria provided, single submitter. Criteria: Invitae Variant Classification Sherloc (09022015). Collection method: clinical testing. Allele origin: germline.
Comment: In summary, the available evidence is currently insufficient to determine the role of this variant in disease. Therefore, it has been classified as a Variant of Uncertain Significance. Algorithms developed to predict the effect of missense changes on protein structure and function are either unavailable or do not agree on the potential impact of this missense change (SIFT: "Tolerated"; PolyPhen-2: "Probably Damaging"; Align-GVGD: "Class C0"). This variant has not been reported in the literature in individuals affected with DAG1-related conditions. This variant is not present in population databases (gnomAD no frequency). This sequence change replaces serine, which is neutral and polar, with isoleucine, which is neutral and non-polar, at codon 33 of the DAG1 protein (p.Ser33Ile).

NM_004393.6(DAG1):c.98G>T (p.Ser33Ile)

Gene: DAG1 (dystroglycan 1; plus strand). Cytogenetic location: 3p21.31.
Variant type: single nucleotide variant.
Coding change: c.98G>T on transcript NM_004393.6 (MANE Select); coding-DNA position 98, G replaced by T.
Protein change: p.Ser33Ile; replaces serine 33 with isoleucine.
Molecular consequence: missense variant.
Genome position (GRCh38, 1-based): chr3:49,510,632, G>T. VCF-style: chr3-49510632-G-T. GRCh37 (hg19) VCF-style: chr3-49548065-G-T.
Other names: c.98G>T, p.Ser33Ile (NM_001165928.4, NM_001177634.3, NM_001177635.3 and 9 more transcripts); short protein forms S33I.
Identifiers: ClinVar variation 1966846 (VCV001966846.5), dbSNP rs970621102, ClinGen allele CA352800284.